The following is an entry in ClinVar:

ClinVar aggregate classification (germline): Uncertain significance. Review status: criteria provided, multiple submitters, no conflicts (2 of 4 stars). 2 submissions from 2 submitters: Uncertain significance (2). Last evaluated 2025-09-18.

Conditions:
Intellectual developmental disorder, X-linked 58. Also called: Intellectual disability, X-linked 58. Identifiers: Orphanet 777, MedGen C1846174, MONDO:0010266, OMIM 300210.

gnomAD v4.1: 1 of 1,210,581 alleles (0.000083%); highest among the groups gnomAD compares: Non-Finnish European, 0.00011%; no homozygotes.

Submissions (2):

Dasa
Classification: Uncertain significance. Last evaluated: 2025-09-18. Review status: criteria provided, single submitter. Criteria: DASA Assertion Criteria. Collection method: clinical testing. Allele origin: germline.
Comment: NM_004615.4(TSPAN7):c.626T>C (p.Met209Thr) is a missense variant that results in the substitution of methionine with threonine. This variant is rare in population databases. Computational prediction algorithms are consistent with a deleterious effect. The currently available literature and clinical evidence are not sufficient to establish a definitive association between this variant and the reported condition. Therefore, this variant is classified as a variant of uncertain significance.

Laboratorio de Genetica e Diagnostico Molecular, Hospital Israelita Albert Einstein
Classification: Uncertain significance for Intellectual developmental disorder, X-linked 58. Last evaluated: 2024-07-03. Review status: criteria provided, single submitter. Criteria: ACMG Guidelines, 2015. Collection method: clinical testing. Allele origin: germline. Affected: yes.
Comment: ACMG classification criteria: PM2 supporting, PP3 supporting

NM_004615.4(TSPAN7):c.626T>C (p.Met209Thr)

Gene: TSPAN7 (tetraspanin 7; plus strand). Cytogenetic location: Xp11.4.
Variant type: single nucleotide variant.
Coding change: c.626T>C on transcript NM_004615.4 (MANE Select); coding-DNA position 626, T replaced by C.
Protein change: p.Met209Thr; replaces methionine 209 with threonine.
Molecular consequence: missense variant.
Genome position (GRCh38, 1-based): chrX:38,681,232, T>C. VCF-style: chrX-38681232-T-C. GRCh37 (hg19) VCF-style: chrX-38540486-T-C.
Other names: short protein forms M209T.
Identifiers: ClinVar variation 4076278 (VCV004076278.3).